The following is an entry in ClinVar:

NM_004863.4(SPTLC2):c.461A>C (p.His154Pro)

Gene: SPTLC2 (serine palmitoyltransferase long chain base subunit 2; minus strand). Cytogenetic location: 14q24.3.
Variant type: single nucleotide variant.
Coding change: c.461A>C on transcript NM_004863.4 (MANE Select); coding-DNA position 461, A replaced by C.
Protein change: p.His154Pro; replaces histidine 154 with proline.
Molecular consequence: missense variant.
Genome position (GRCh38, 1-based): chr14:77,578,976, T>G on the plus strand (A>C on the coding strand, the complement: SPTLC2 is on the minus strand). VCF-style: chr14-77578976-T-G. GRCh37 (hg19) VCF-style: chr14-78045319-T-G.
Other names: short protein forms H154P.
Identifiers: ClinVar variation 2739344 (VCV002739344.3), dbSNP rs1426663035, ClinGen allele CA390700482.

ClinVar aggregate classification (germline): Uncertain significance (1 of 4 stars; one submission).

Conditions:
Neuropathy, hereditary sensory and autonomic, type 1C. Also called: HSAN IC; HSN IC. Identifiers: Orphanet 36386, MedGen C3150896, MONDO:0013337, OMIM 613640.

Submission:

Labcorp Genetics (formerly Invitae), Labcorp
Classification: Uncertain significance for Neuropathy, hereditary sensory and autonomic, type 1C. Last evaluated: 2023-07-09. Review status: criteria provided, single submitter. Criteria: Invitae Variant Classification Sherloc (09022015). Collection method: clinical testing. Allele origin: germline.
Comment: In summary, the available evidence is currently insufficient to determine the role of this variant in disease. Therefore, it has been classified as a Variant of Uncertain Significance. This sequence change replaces histidine, which is basic and polar, with proline, which is neutral and non-polar, at codon 154 of the SPTLC2 protein (p.His154Pro). This variant is not present in population databases (gnomAD no frequency). This variant has not been reported in the literature in individuals affected with SPTLC2-related conditions. Advanced modeling of protein sequence and biophysical properties (such as structural, functional, and spatial information, amino acid conservation, physicochemical variation, residue mobility, and thermodynamic stability) performed at Invitae indicates that this missense variant is not expected to disrupt SPTLC2 protein function.